The following is an entry in ClinVar:

NM_000059.4(BRCA2):c.3748G>T (p.Glu1250Ter)

Gene: BRCA2 (BRCA2 DNA repair associated; plus strand). Cytogenetic location: 13q13.1.
Variant type: single nucleotide variant.
Coding change: c.3748G>T on transcript NM_000059.4 (MANE Select); coding-DNA position 3748, G replaced by T.
Protein change: p.Glu1250Ter; replaces glutamic acid 1250 with a stop codon.
Molecular consequence: nonsense.
Genome position (GRCh38, 1-based): chr13:32,338,103, G>T. VCF-style: chr13-32338103-G-T. GRCh37 (hg19) VCF-style: chr13-32912240-G-T.
Other names: short protein forms E1250*.
Identifiers: ClinVar variation 51514 (VCV000051514.2), dbSNP rs80358615, ClinGen allele CA018710.

ClinVar aggregate classification (germline): Pathogenic. Review status: reviewed by expert panel (3 of 4 stars). 2 submissions from 2 submitters: Pathogenic (1). 1 of the submissions does not count toward it. Last evaluated 2016-09-08.

Conditions:
Breast-ovarian cancer, familial, susceptibility to, 2 (BROVCA2). Also called: BRCA2 Hereditary Breast and Ovarian Cancer. Identifiers: Orphanet 145, MedGen C2675520, MONDO:0012933, OMIM 612555. Disease mechanism: loss of function.

Submissions (2):

Evidence-based Network for the Interpretation of Germline Mutant Alleles (ENIGMA)
Classification: Pathogenic for Breast-ovarian cancer, familial, susceptibility to, 2. Last evaluated: 2016-09-08. Review status: reviewed by expert panel. Criteria: ENIGMA BRCA1/2 Classification Criteria (2015). Collection method: curation. Allele origin: germline.
Comment: Variant allele predicted to encode a truncated non-functional protein.

Breast Cancer Information Core (BIC) (BRCA2)
Classification: Pathogenic for Breast-ovarian cancer, familial 2. Review status: no assertion criteria provided. Collection method: clinical testing. Allele origin: germline. Affected: yes. Observed: 1 variant allele. Not counted in ClinVar's aggregate classification.